The following is an entry in ClinVar:

NM_006231.4(POLE):c.5863G>A (p.Asp1955Asn)

Gene: POLE (DNA polymerase epsilon, catalytic subunit; minus strand). Cytogenetic location: 12q24.33.
Variant type: single nucleotide variant.
Coding change: c.5863G>A on transcript NM_006231.4 (MANE Select); coding-DNA position 5863, G replaced by A.
Protein change: p.Asp1955Asn; replaces aspartic acid 1955 with asparagine.
Molecular consequence: missense variant.
Genome position (GRCh38, 1-based): chr12:132,634,327, C>T on the plus strand (G>A on the coding strand, the complement: POLE is on the minus strand). VCF-style: chr12-132634327-C-T. GRCh37 (hg19) VCF-style: chr12-133210913-C-T.
Other names: short protein forms D1955N.
Identifiers: ClinVar variation 582529 (VCV000582529.11), dbSNP rs755805420, ClinGen allele CA6892352.

ClinVar aggregate classification (germline): Conflicting classifications of pathogenicity. Review status: criteria provided, conflicting classifications (1 of 4 stars). 2 submissions from 2 submitters: Uncertain significance (1); Likely benign (1). Last evaluated 2026-01-25.

Conditions:
Hereditary cancer-predisposing syndrome. Also called: Neoplastic Syndromes, Hereditary; Hereditary Cancer Syndrome; Tumor predisposition; Hereditary neoplastic syndrome. Identifiers: Orphanet 140162, MedGen C0027672, MeSH D009386, MONDO:0015356.

Allele frequency attached by ClinVar (database versions not stated): gnomAD exomes 0.00001; ExAC 0.00002; 1000 Genomes Project 30x 0.00016.

Submissions (2):

Labcorp Genetics (formerly Invitae), Labcorp
Classification: Uncertain significance. Last evaluated: 2026-01-25. Review status: criteria provided, single submitter. Criteria: Invitae Variant Classification Sherloc (09022015). Collection method: clinical testing. Allele origin: germline.
Comment: This sequence change replaces aspartic acid, which is acidic and polar, with asparagine, which is neutral and polar, at codon 1955 of the POLE protein (p.Asp1955Asn). This variant is present in population databases (rs755805420, gnomAD 0.003%). This variant has not been reported in the literature in individuals affected with POLE-related conditions. ClinVar contains an entry for this variant (Variation ID: 582529). An algorithm developed to predict the effect of missense changes on protein structure and function outputs the following: PolyPhen-2: "Benign". The asparagine amino acid residue is found in multiple mammalian species, which suggests that this missense change does not adversely affect protein function. In summary, the available evidence is currently insufficient to determine the role of this variant in disease. Therefore, it has been classified as a Variant of Uncertain Significance.

Ambry Genetics
Classification: Likely benign for Hereditary cancer-predisposing syndrome. Last evaluated: 2021-07-28. Review status: criteria provided, single submitter. Criteria: Ambry Variant Classification Scheme 2023. Collection method: clinical testing. Allele origin: germline.